The following is an entry in ClinVar:

NM_002734.5(PRKAR1A):c.*812A>C

Gene: PRKAR1A (protein kinase cAMP-dependent type I regulatory subunit alpha; plus strand). Cytogenetic location: 17q24.2.
Variant type: single nucleotide variant.
Coding change: c.*812A>C on transcript NM_002734.5 (MANE Select); 812 bases downstream of the stop codon, A replaced by C.
Molecular consequence: 3 prime UTR variant. On other transcripts: intron variant (1).
Genome position (GRCh38, 1-based): chr17:68,531,261, A>C. VCF-style: chr17-68531261-A-C. GRCh37 (hg19) VCF-style: chr17-66527402-A-C.
Other names: c.*812A>C (NM_001276289.2, NM_001278433.2, NM_001369389.1 and 3 more transcripts); c.973+1260A>C (NM_001276290.1).
Identifiers: ClinVar variation 324798 (VCV000324798.29), dbSNP rs116996069, ClinGen allele CA10649941.

ClinVar aggregate classification (germline): Benign/Likely benign. Review status: criteria provided, multiple submitters, no conflicts (2 of 4 stars). 3 submissions from 2 submitters: Benign (1); Likely benign (2). Last evaluated 2023-01-01.

Conditions:
Acrodysostosis 1 with or without hormone resistance (ACRDYS1). Also called: ACRODYSOSTOSIS 1 WITH HORMONE RESISTANCE; ACRODYSOSTOSIS 1 WITHOUT HORMONE RESISTANCE; ACRODYSOSTOSIS WITH HORMONE RESISTANCE. Identifiers: Orphanet 280651, MedGen C3276228, MONDO:0007044, OMIM 101800.
Carney complex, type 1 (CNC1). Also called: CARNEY MYXOMA-ENDOCRINE COMPLEX; CARNEY COMPLEX, TYPE I. Identifiers: Orphanet 1359, MedGen C2607929, MONDO:0008057, OMIM 160980.

Allele frequency attached by ClinVar (database versions not stated): TOPMed 0.00017; 1000 Genomes Project 30x 0.00109; 1000 Genomes Project 0.00120.
gnomAD v4.1: 278 of 1,066,418 alleles (0.026%); highest among the groups gnomAD compares: South Asian, 0.83%; 2 homozygotes.

Submissions (3):

CeGaT Center for Human Genetics Tuebingen
Classification: Benign. Last evaluated: 2023-01-01. Review status: criteria provided, single submitter. Criteria: CeGaT Center For Human Genetics Tuebingen Variant Classification Criteria Version 2. Collection method: clinical testing. Allele origin: germline. Affected: yes. Observed: 1 variant allele.
Comment: PRKAR1A: BS1, BS2

Illumina Laboratory Services, Illumina
Classification: Likely benign for Acrodysostosis 1 with or without hormone resistance. Last evaluated: 2017-04-27. Review status: criteria provided, single submitter. Criteria: ICSL Variant Classification Criteria 13 December 2019. Collection method: clinical testing. Allele origin: germline.
Comment: This variant was observed as part of a predisposition screen in an ostensibly healthy population. A literature search was performed for the gene, cDNA change, and amino acid change (where applicable). No publications were found based on this search. Allele frequency data from public databases allowed determination this variant is unlikely to cause disease. Therefore, this variant is classified as likely benign.

Illumina Laboratory Services, Illumina
Classification: Likely benign for Carney complex, type 1. Last evaluated: 2017-04-27. Review status: criteria provided, single submitter. Criteria: ICSL Variant Classification Criteria 13 December 2019. Collection method: clinical testing. Allele origin: germline.
Comment: the same text as in the submission from Illumina Laboratory Services, Illumina above.